The following is an entry in ClinVar:

NM_003242.6(TGFBR2):c.315G>C (p.Lys105Asn)

Gene: TGFBR2 (transforming growth factor beta receptor 2; plus strand). Cytogenetic location: 3p24.1.
Variant type: single nucleotide variant.
Coding change: c.315G>C on transcript NM_003242.6 (MANE Select); coding-DNA position 315, G replaced by C.
Protein change: p.Lys105Asn; replaces lysine 105 with asparagine.
Molecular consequence: missense variant.
Genome position (GRCh38, 1-based): chr3:30,650,321, G>C. VCF-style: chr3-30650321-G-C. GRCh37 (hg19) VCF-style: chr3-30691813-G-C.
Other names: c.390G>C, p.Lys130Asn (NM_001024847.3, NM_001407126.1, NM_001407139.1); c.315G>C, p.Lys105Asn (NM_001407127.1, NM_001407130.1); c.342G>C, p.Lys114Asn (NM_001407128.1); c.210G>C, p.Lys70Asn (NM_001407129.1, NM_001407132.1, NM_001407133.1 and 3 more transcripts); short protein forms K105N, K114N, K130N, K70N.
Identifiers: ClinVar variation 1939838 (VCV001939838.6), dbSNP rs2125410058, ClinGen allele CA351806811.

ClinVar aggregate classification (germline): Uncertain significance. Review status: criteria provided, multiple submitters, no conflicts (2 of 4 stars). 2 submissions from 2 submitters: Uncertain significance (2). Last evaluated 2023-12-01.

Conditions:
Familial thoracic aortic aneurysm and aortic dissection (TAAD). Also called: Thoracic aortic aneurysms and dissections. Identifiers: Orphanet 91387, MedGen C4707243, MONDO:0019625.
Loeys-Dietz syndrome 2 (LDS2). Also called: AORTIC ANEURYSM, FAMILIAL THORACIC 3; MARFAN SYNDROME, TYPE II; Marfan syndrome, type 2 (formerly); TGFBR2-Related Loeys-Dietz Syndrome; Marfan Syndrome type 2; Marfan like connective tissue disorder. Identifiers: Orphanet 284973, Orphanet 558, MedGen C2674574, MONDO:0012427, OMIM 610168.

Submissions (2):

All of Us Research Program, National Institutes of Health
Classification: Uncertain significance for Loeys-Dietz syndrome 2. Last evaluated: 2023-12-01. Review status: criteria provided, single submitter. Criteria: ACMG Guidelines, 2015. Collection method: clinical testing. Allele origin: germline. Inheritance: Autosomal dominant inheritance. Observed: 2 variant alleles, 2 heterozygotes.
Comment: This missense variant replaces lysine with asparagine at codon 105 of the TGFBR2 protein. Computational prediction suggests that this variant may not impact protein structure and function (internally defined REVEL score threshold <= 0.5, PMID: 27666373). To our knowledge, functional studies have not been reported for this variant. This variant has not been reported in individuals affected with TGFBR2-related disorders in the literature. This variant has not been identified in the general population by the Genome Aggregation Database (gnomAD). The available evidence is insufficient to determine the role of this variant in disease conclusively. Therefore, this variant is classified as a Variant of Uncertain Significance.

This study involves interpretation of variants in research participants for the purpose of population health screening. Participant phenotype was not available at the time of variant classification. Additional details can be found in publication PMID: 35346344, PMCID: PMC8962531

Labcorp Genetics (formerly Invitae), Labcorp
Classification: Uncertain significance for Familial thoracic aortic aneurysm and aortic dissection. Last evaluated: 2023-09-27. Review status: criteria provided, single submitter. Criteria: Invitae Variant Classification Sherloc (09022015). Collection method: clinical testing. Allele origin: germline.
Comment: In summary, the available evidence is currently insufficient to determine the role of this variant in disease. Therefore, it has been classified as a Variant of Uncertain Significance. Advanced modeling of protein sequence and biophysical properties (such as structural, functional, and spatial information, amino acid conservation, physicochemical variation, residue mobility, and thermodynamic stability) performed at Invitae indicates that this missense variant is not expected to disrupt TGFBR2 protein function. This sequence change replaces lysine, which is basic and polar, with asparagine, which is neutral and polar, at codon 105 of the TGFBR2 protein (p.Lys105Asn). This variant is not present in population databases (gnomAD no frequency). This variant has not been reported in the literature in individuals affected with TGFBR2-related conditions. ClinVar contains an entry for this variant (Variation ID: 1939838).